The following is an entry in ClinVar:

ClinVar aggregate classification (germline): Uncertain significance. Review status: criteria provided, multiple submitters, no conflicts (2 of 4 stars). 2 submissions from 2 submitters: Uncertain significance (2). Last evaluated 2022-06-27.

Allele frequency attached by ClinVar (database versions not stated): gnomAD exomes 0.00001 and 0.00003; ExAC 0.00002.
gnomAD v4.1: 10 of 1,614,042 alleles (0.00062%); highest among the groups gnomAD compares: Admixed American, 0.0067%; no homozygotes.

Submissions (2):

Labcorp Genetics (formerly Invitae), Labcorp
Classification: Uncertain significance. Last evaluated: 2022-06-27. Review status: criteria provided, single submitter. Criteria: Invitae Variant Classification Sherloc (09022015). Collection method: clinical testing. Allele origin: germline.
Comment: This sequence change replaces glutamic acid, which is acidic and polar, with lysine, which is basic and polar, at codon 600 of the BMPER protein (p.Glu600Lys). This variant is present in population databases (rs761159719, gnomAD 0.01%). This variant has not been reported in the literature in individuals affected with BMPER-related conditions. Algorithms developed to predict the effect of missense changes on protein structure and function are either unavailable or do not agree on the potential impact of this missense change (SIFT: "Deleterious"; PolyPhen-2: "Probably Damaging"; Align-GVGD: "Class C0"). In summary, the available evidence is currently insufficient to determine the role of this variant in disease. Therefore, it has been classified as a Variant of Uncertain Significance.

GeneDx
Classification: Uncertain significance. Last evaluated: 2022-03-15. Review status: criteria provided, single submitter. Criteria: GeneDx Variant Classification Process June 2021. Collection method: clinical testing. Allele origin: germline. Affected: yes.
Comment: In silico analysis supports that this missense variant has a deleterious effect on protein structure/function; Has not been previously published as pathogenic or benign to our knowledge

NM_001365308.1(BMPER):c.1798G>A (p.Glu600Lys)

Gene: BMPER (BMP binding endothelial regulator; plus strand). Cytogenetic location: 7p14.3.
Variant type: single nucleotide variant.
Coding change: c.1798G>A on transcript NM_001365308.1 (MANE Select); coding-DNA position 1798, G replaced by A.
Protein change: p.Glu600Lys; replaces glutamic acid 600 with lysine.
Molecular consequence: missense variant.
Genome position (GRCh38, 1-based): chr7:34,143,282, G>A. VCF-style: chr7-34143282-G-A. GRCh37 (hg19) VCF-style: chr7-34182894-G-A.
Other names: c.1798G>A, p.Glu600Lys (NM_133468.5); short protein forms E600K.
Identifiers: ClinVar variation 1438329 (VCV001438329.7), dbSNP rs761159719, ClinGen allele CA4215517.